The following is an entry in ClinVar:

ClinVar aggregate classification (germline): Benign/Likely benign. Review status: criteria provided, multiple submitters, no conflicts (2 of 4 stars). 6 submissions from 6 submitters: Benign (4); Likely benign (2). Last evaluated 2025-07-27.

Conditions:
Aortic aneurysm, familial thoracic 4 (AAT4). Also called: AORTIC ANEURYSM/AORTIC DISSECTION AND PATENT DUCTUS ARTERIOSUS. Identifiers: MedGen C1851504, MONDO:0007568, OMIM 132900.
Familial thoracic aortic aneurysm and aortic dissection (TAAD). Also called: Thoracic aortic aneurysms and dissections. Identifiers: Orphanet 91387, MedGen C4707243, MONDO:0019625.

Allele frequency attached by ClinVar (database versions not stated): TOPMed 0.00006; ESP Exome Variant Server 0.00015; gnomAD exomes 0.00074 and 0.00184; 1000 Genomes Project 30x 0.00078; 1000 Genomes Project 0.00100; ExAC 0.00153; gnomAD 0.00167 and 0.00172.
gnomAD v4.1: 1,322 of 1,614,016 alleles (0.082%); highest among the groups gnomAD compares: Non-Finnish European, 0.0073%; 13 homozygotes.

Submissions (6):

Labcorp Genetics (formerly Invitae), Labcorp
Classification: Benign for Aortic aneurysm, familial thoracic 4. Last evaluated: 2025-07-27. Review status: criteria provided, single submitter. Criteria: Invitae Variant Classification Sherloc (09022015). Collection method: clinical testing. Allele origin: germline.

Blueprint Genetics
Classification: Likely benign. Last evaluated: 2024-11-13. Review status: criteria provided, single submitter. Criteria: ACMG Guidelines, 2015. Collection method: clinical testing. Allele origin: germline.

All of Us Research Program, National Institutes of Health
Classification: Benign for Familial thoracic aortic aneurysm and aortic dissection. Last evaluated: 2024-02-05. Review status: criteria provided, single submitter. Criteria: ACMG Guidelines, 2015. Collection method: clinical testing. Allele origin: germline. Inheritance: Autosomal dominant inheritance. Observed: 24 variant alleles, 24 heterozygotes.
Comment: This study involves interpretation of variants in research participants for the purpose of population health screening. Participant phenotype was not available at the time of variant classification. Additional details can be found in publication PMID: 35346344, PMCID: PMC8962531

Color Diagnostics, LLC DBA Color Health
Classification: Benign for Familial thoracic aortic aneurysm and aortic dissection. Last evaluated: 2018-03-07. Review status: criteria provided, single submitter. Criteria: ACMG Guidelines, 2015. Collection method: clinical testing. Allele origin: germline.

Ambry Genetics
Classification: Likely benign for Familial thoracic aortic aneurysm and aortic dissection. Last evaluated: 2017-09-22. Review status: criteria provided, single submitter. Criteria: Ambry Variant Classification Scheme 2023. Collection method: clinical testing. Allele origin: germline.

GeneDx
Classification: Benign. Last evaluated: 2017-02-13. Review status: criteria provided, single submitter. Criteria: GeneDx Variant Classification (06012015). Collection method: clinical testing. Allele origin: germline. Affected: yes.
Comment: This variant is considered likely benign or benign based on one or more of the following criteria: it is a conservative change, it occurs at a poorly conserved position in the protein, it is predicted to be benign by multiple in silico algorithms, and/or has population frequency not consistent with disease.

NM_002474.3(MYH11):c.1848C>T (p.Ala616=)

Gene: MYH11 (myosin heavy chain 11; minus strand). Cytogenetic location: 16p13.11.
Variant type: single nucleotide variant.
Coding change: c.1848C>T on transcript NM_002474.3 (MANE Select); coding-DNA position 1848, C replaced by T.
Protein change: p.Ala616=; no amino-acid change (alanine 616 retained).
Molecular consequence: synonymous variant.
Genome position (GRCh38, 1-based): chr16:15,753,410, G>A on the plus strand (C>T on the coding strand, the complement: MYH11 is on the minus strand). VCF-style: chr16-15753410-G-A. GRCh37 (hg19) VCF-style: chr16-15847267-G-A.
Other names: c.1869C>T, p.Ala623= (NM_001040113.2, NM_001040114.2); c.1848C>T, p.Ala616= (NM_022844.3).
Identifiers: ClinVar variation 318170 (VCV000318170.31), dbSNP rs112834652, ClinGen allele CA7922498.